The following is an entry in ClinVar:

ClinVar aggregate classification (germline): Likely pathogenic. Review status: criteria provided, multiple submitters, no conflicts (2 of 4 stars). 6 submissions from 6 submitters: Likely pathogenic (5). 1 of the submissions does not count toward it. Last evaluated 2026-02-04.

Conditions:
JAG2-related disorder. Also called: JAG2-related condition.
Muscular dystrophy, limb-girdle, autosomal recessive 27. Identifiers: MedGen C5562002, MONDO:0030456, OMIM 619566.

Allele frequency attached by ClinVar (database versions not stated): gnomAD exomes 0.00002 and 0.00009; ExAC 0.00004; gnomAD 0.00005 and 0.00006; TOPMed 0.00006.
gnomAD v4.1: 136 of 1,612,526 alleles (0.0084%); highest among the groups gnomAD compares: Non-Finnish European, 0.011%; no homozygotes.

Submissions (6):

GeneDx
Classification: Likely pathogenic. Last evaluated: 2026-02-04. Review status: criteria provided, single submitter. Criteria: GeneDx Variant Classification Process June 2021. Collection method: clinical testing. Allele origin: germline. Affected: yes.
Comment: In silico analysis supports that this missense variant has a deleterious effect on protein structure/function; In silico analysis supports a deleterious effect on splicing; This variant is associated with the following publications: (PMID: 33861953, Janiszewska2024[Abstract])

PreventionGenetics, part of Exact Sciences
Classification: Likely pathogenic for JAG2-related condition. Last evaluated: 2026-01-28. Review status: criteria provided, single submitter. Criteria: ACMG Guidelines, 2015. Collection method: clinical testing. Allele origin: germline.
Comment: The JAG2 c.2515G>A variant is predicted to result in the amino acid substitution p.Gly839Arg. This variant has been reported in both compound heterozygous and homozygous states in individuals with muscular dystrophy and has been shown to segregate with the disease in two families (Coppens et al. 2021. PubMed ID: 33861953). This variant is reported in 0.0047% of alleles in individuals of European (Non-Finnish) descent in gnomAD. This variant is interpreted as likely pathogenic.

Labcorp Genetics (formerly Invitae), Labcorp
Classification: Likely pathogenic. Last evaluated: 2022-07-19. Review status: criteria provided, single submitter. Criteria: Invitae Variant Classification Sherloc (09022015). Collection method: clinical testing. Allele origin: germline.
Comment: In summary, the currently available evidence indicates that the variant is pathogenic, but additional data are needed to prove that conclusively. Therefore, this variant has been classified as Likely Pathogenic. Algorithms developed to predict the effect of sequence changes on RNA splicing suggest that this variant may create or strengthen a splice site. Algorithms developed to predict the effect of missense changes on protein structure and function (SIFT, PolyPhen-2, Align-GVGD) all suggest that this variant is likely to be disruptive. ClinVar contains an entry for this variant (Variation ID: 1300192). This missense change has been observed in individuals with muscular dystrophy (PMID: 33861953). It has also been observed to segregate with disease in related individuals. This variant is present in population databases (rs781734780, gnomAD 0.006%). This sequence change replaces glycine, which is neutral and non-polar, with arginine, which is basic and polar, at codon 839 of the JAG2 protein (p.Gly839Arg).

SIB Swiss Institute of Bioinformatics
Classification: Likely pathogenic for Muscular dystrophy, limb-girdle, autosomal recessive 27. Last evaluated: 2022-04-20. Review status: criteria provided, single submitter. Criteria: ACMG Guidelines, 2015. Collection method: curation. Allele origin: unknown.
Comment: This variant is interpreted as likely pathogenic for Muscular dystrophy, limb-girdle, autosomal recessive 27. The following ACMG Tag(s) were applied: Absent from controls (or at extremely low frequency if recessive) in Exome Sequencing Project, 1000 Genomes Project, or Exome Aggregation Consortium (PM2); Cosegregation with disease in multiple affected family members in a gene definitively known to cause the disease (PP1 moderate); For recessive disorders, detected in trans with a pathogenic variant (PM3); Multiple lines of computational evidence support a deleterious effect on the gene or gene product (PP3).

Laboratory of Medical Genetics, National & Kapodistrian University of Athens
Classification: Likely pathogenic for Muscular dystrophy, limb-girdle, autosomal recessive 27. Last evaluated: 2022-02-01. Review status: criteria provided, single submitter. Criteria: ACMG Guidelines, 2015. Collection method: clinical testing. Allele origin: germline. Affected: yes.
Comment: PM2, PP3, PP5

OMIM
Classification: Pathogenic for MUSCULAR DYSTROPHY, LIMB-GIRDLE, AUTOSOMAL RECESSIVE 27. Last evaluated: 2021-10-19. Review status: no assertion criteria provided. Collection method: literature only. Allele origin: germline. Not counted in ClinVar's aggregate classification.

Literature cited by the submitters: PubMed 33861953 (cited by 3 submitters).

NM_002226.5(JAG2):c.2515G>A (p.Gly839Arg)

Gene: JAG2 (jagged canonical Notch ligand 2; minus strand). Cytogenetic location: 14q32.33.
Variant type: single nucleotide variant.
Coding change: c.2515G>A on transcript NM_002226.5 (MANE Select); coding-DNA position 2515, G replaced by A.
Protein change: p.Gly839Arg; replaces glycine 839 with arginine.
Molecular consequence: missense variant.
Genome position (GRCh38, 1-based): chr14:105,146,689, C>T on the plus strand (G>A on the coding strand, the complement: JAG2 is on the minus strand). VCF-style: chr14-105146689-C-T. GRCh37 (hg19) VCF-style: chr14-105613026-C-T.
Other names: c.2515G>A (NM_002226.4); c.2401G>A, p.Gly801Arg (NM_145159.3); short protein forms G839R, G801R.
Identifiers: ClinVar variation 1300192 (VCV001300192.12), dbSNP rs781734780, ClinGen allele CA7385558.